The following is an entry in ClinVar:

NM_001081.4(CUBN):c.7868A>C (p.Glu2623Ala)

Gene: CUBN (cubilin; minus strand). Cytogenetic location: 10p13.
Variant type: single nucleotide variant.
Coding change: c.7868A>C on transcript NM_001081.4 (MANE Select); coding-DNA position 7868, A replaced by C.
Protein change: p.Glu2623Ala; replaces glutamic acid 2623 with alanine.
Molecular consequence: missense variant.
Genome position (GRCh38, 1-based): chr10:16,906,247, T>G on the plus strand (A>C on the coding strand, the complement: CUBN is on the minus strand). VCF-style: chr10-16906247-T-G. GRCh37 (hg19) VCF-style: chr10-16948246-T-G.
Other names: short protein forms E2623A.
Identifiers: ClinVar variation 299415 (VCV000299415.20), dbSNP rs115449747, ClinGen allele CA5423224.
Genomic context (GRCh38, chr10:16,906,247, plus strand): 5'-CTTAGATAGAACTCACCCACTCGAAACTCGAGGACATCAAATTGACAGTCTTGGTGACTT[T>G]CTAGGTAAAAATCTTCAAAGTGAATGGAAATGGATGAATTTCCCTGATTTGGATTGCTGA-3'
Protein context (NP_001072.2, residues 2613-2633): ISIHFEDFYL[Glu2623Ala]SHQDCQFDVL

ClinVar aggregate classification (germline): Benign/Likely benign. Review status: criteria provided, multiple submitters, no conflicts (2 of 4 stars). 5 submissions from 5 submitters: Benign (2); Likely benign (3). Last evaluated 2026-05-01.

Conditions:
Imerslund-Grasbeck syndrome type 1 (IGS1). Also called: MEGALOBLASTIC ANEMIA, 1; Imerslund-Gräsbeck syndrome 1; Megaloblastic anemia 1, Finnish type. Identifiers: MedGen C4016819, MONDO:0100156, OMIM 261100.
Imerslund-Grasbeck syndrome. Also called: Megaloblastic anemia due to inborn errors of metabolism; Imerslund-Gräsbeck syndrome; ENTEROCYTE COBALAMIN MALABSORPTION; ENTEROCYTE INTRINSIC FACTOR RECEPTOR, DEFECT OF; PERNICIOUS ANEMIA, JUVENILE, DUE TO SELECTIVE INTESTINAL MALABSORPTION OF VITAMIN B12, WITH PROTEINURIA. Identifiers: Orphanet 35858, MedGen C4551825, MONDO:0009853.

Allele frequency attached by ClinVar (database versions not stated): gnomAD exomes 0.00036 and 0.00092; ExAC 0.00114; 1000 Genomes Project 0.00300; gnomAD 0.00370 and 0.00403; ESP Exome Variant Server 0.00438; TOPMed 0.00451.
gnomAD v4.1: 1,110 of 1,614,176 alleles (0.069%); highest among the groups gnomAD compares: African/African-American, 1.3%; 6 homozygotes.

Submissions (5):

CeGaT Center for Human Genetics Tuebingen
Classification: Likely benign. Last evaluated: 2026-05-01. Review status: criteria provided, single submitter. Criteria: CeGaT Center For Human Genetics Tuebingen Variant Classification Criteria Version 2. Collection method: clinical testing. Allele origin: germline. Affected: yes. Observed: 1 variant allele.
Comment: CUBN: BP4, BS1

Labcorp Genetics (formerly Invitae), Labcorp
Classification: Benign for Imerslund-Grasbeck syndrome. Last evaluated: 2026-02-01. Review status: criteria provided, single submitter. Criteria: Invitae Variant Classification Sherloc (09022015). Collection method: clinical testing. Allele origin: germline.

GeneDx
Classification: Likely benign. Last evaluated: 2019-12-29. Review status: criteria provided, single submitter. Criteria: GeneDx Variant Classification Process June 2021. Collection method: clinical testing. Allele origin: germline. Affected: yes.

Illumina Laboratory Services, Illumina
Classification: Benign for Imerslund-Grasbeck syndrome type 1. Last evaluated: 2018-01-13. Review status: criteria provided, single submitter. Criteria: ICSL Variant Classification Criteria 13 December 2019. Collection method: clinical testing. Allele origin: germline.
Comment: This variant was observed in the ICSL laboratory as part of a predisposition screen in an ostensibly healthy population. It had not been previously curated by ICSL or reported in the Human Gene Mutation Database (HGMD: prior to June 1st, 2018), and was therefore a candidate for classification through an automated scoring system. Utilizing variant allele frequency, disease prevalence and penetrance estimates, and inheritance mode, an automated score was calculated to assess if this variant is too frequent to cause the disease. Based on the score and internal cut-off values, a variant classified as benign is not then subjected to further curation. The score for this variant resulted in a classification of benign for this disease.

Breakthrough Genomics
Classification: Likely benign. Review status: criteria provided, single submitter. Criteria: ACMG Guidelines, 2015. Collection method: not provided. Allele origin: germline. Inheritance: Autosomal recessive inheritance. Affected: yes.